The following is an entry in ClinVar:

NM_000548.5(TSC2):c.-50_-43dup

Genes: TSC2 (TSC complex subunit 2; plus strand), LOC130058210 (ATAC-STARR-seq lymphoblastoid silent region 7024; plus strand). Cytogenetic location: 16p13.3.
Variant type: Duplication.
Coding change: c.-50_-43dup on transcript NM_000548.5 (MANE Select); 50 bases upstream of the start codon through 43 bases upstream of the start codon, 8 bases duplicated (AGCGCGGT; older notation c.-50_-43dupAGCGCGGT).
Molecular consequence: 5 prime UTR variant.
Genome position (GRCh38, 1-based): chr16:2,048,045-2,048,052, AGCGCGGT duplicated. VCF-style (leftmost placement, unchanged base first): chr16-2048044-G-GAGCGCGGT. GRCh37 (hg19) VCF-style: chr16-2098045-G-GAGCGCGGT.
Other names: c.-50_-43dup (NM_001077183.3, NM_001114382.3, NM_001318827.2 and 4 more transcripts); c.-30_-23dup (NM_001318829.2); c.-276_-269dup (NM_001318831.2).
Identifiers: ClinVar variation 420608 (VCV000420608.1), dbSNP rs1416512705, ClinGen allele CA16620082.

ClinVar aggregate classification (germline): Likely benign (1 of 4 stars; one submission).

Allele frequency attached by ClinVar (database versions not stated): gnomAD exomes below 0.00001; gnomAD 0.00001; TOPMed 0.00002.

Submission:

GeneDx
Classification: Likely benign. Last evaluated: 2016-03-14. Review status: criteria provided, single submitter. Criteria: GeneDx Variant Classification (06012015). Collection method: clinical testing. Allele origin: germline. Affected: yes.
Comment: This variant is considered likely benign or benign based on one or more of the following criteria: it is a conservative change, it occurs at a poorly conserved position in the protein, it is predicted to be benign by multiple in silico algorithms, and/or has population frequency not consistent with disease.